The following is an entry in ClinVar:

NM_001330700.2(TOP2B):c.4738G>C (p.Asp1580His)

Gene: TOP2B (DNA topoisomerase II beta; minus strand). Cytogenetic location: 3p24.2.
Variant type: single nucleotide variant.
Coding change: c.4738G>C on transcript NM_001330700.2 (MANE Select); coding-DNA position 4738, G replaced by C.
Protein change: p.Asp1580His; replaces aspartic acid 1580 with histidine.
Molecular consequence: missense variant.
Genome position (GRCh38, 1-based): chr3:25,598,450, C>G on the plus strand (G>C on the coding strand, the complement: TOP2B is on the minus strand). VCF-style: chr3-25598450-C-G. GRCh37 (hg19) VCF-style: chr3-25639941-C-G.
Other names: NC_000003.11:g.25639941C>G; c.4723G>C, p.Asp1575His (NM_001068.3); short protein forms D1575H, D1580H.
Identifiers: ClinVar variation 4295150 (VCV004295150.2).

ClinVar aggregate classification (germline): Uncertain significance (1 of 4 stars; one submission).

gnomAD v4.1: 12 of 1,599,156 alleles (0.00075%); highest among the groups gnomAD compares: African/African-American, 0.015%; no homozygotes.

Submissions (2):

Labcorp Genetics (formerly Invitae), Labcorp
Classification: Uncertain significance. Last evaluated: 2025-12-27. Review status: criteria provided, single submitter. Criteria: Invitae Variant Classification Sherloc (09022015). Collection method: clinical testing. Allele origin: germline.
Comment: This sequence change replaces aspartic acid, which is acidic and polar, with histidine, which is basic and polar, at codon 1575 of the TOP2B protein (p.Asp1575His). This variant is present in population databases (rs765403902, gnomAD 0.009%). This variant has not been reported in the literature in individuals affected with TOP2B-related conditions. An algorithm developed to predict the effect of missense changes on protein structure and function (PolyPhen-2) suggests that this variant is likely to be disruptive. In summary, the available evidence is currently insufficient to determine the role of this variant in disease. Therefore, it has been classified as a Variant of Uncertain Significance.

Dr. Peter K. Rogan Lab, Western University
No classification provided (evidence only). Condition: Lung cancer. Review status: no classification provided. Collection method: in vitro. Allele origin: not applicable. Functional consequence: retained intron. Not counted in ClinVar's aggregate classification.